The following is an entry in ClinVar:

NM_000284.4(PDHA1):c.647T>C (p.Leu216Ser)

Gene: PDHA1 (pyruvate dehydrogenase E1 subunit alpha 1; plus strand). Cytogenetic location: Xp22.12.
Variant type: single nucleotide variant.
Coding change: c.647T>C on transcript NM_000284.4 (MANE Select); coding-DNA position 647, T replaced by C.
Protein change: p.Leu216Ser; replaces leucine 216 with serine.
Molecular consequence: missense variant.
Genome position (GRCh38, 1-based): chrX:19,355,392, T>C. VCF-style: chrX-19355392-T-C. GRCh37 (hg19) VCF-style: chrX-19373510-T-C.
Other names: c.761T>C, p.Leu254Ser (NM_001173454.2); c.668T>C, p.Leu223Ser (NM_001173455.2); c.554T>C, p.Leu185Ser (NM_001173456.2); short protein forms L185S, L216S, L223S, L254S.
Identifiers: ClinVar variation 4070506 (VCV004070506.1).

ClinVar aggregate classification (germline): Pathogenic (0 of 4 stars; one submission).

Conditions:
Pyruvate dehydrogenase E1-alpha deficiency (PDHAD). Also called: ATAXIA, INTERMITTENT, WITH PYRUVATE DEHYDROGENASE DEFICIENCY; ATAXIA WITH LACTIC ACIDOSIS I; ATAXIA, INTERMITTENT, WITH ABNORMAL PYRUVATE METABOLISM; Ataxia, intermittent, with pyruvate dehydrogenase, or decarboxylase, deficiency. Identifiers: Orphanet 79243, MedGen C1839413, MONDO:0010717, OMIM 312170.

Submission:

PDHA1 Study Group, University Children’s Hospital, Paracelsus Medical University
Classification: Pathogenic for Pyruvate dehydrogenase E1-alpha deficiency. Last evaluated: 2024-10-15. Review status: no assertion criteria provided. Collection method: research. Allele origin: de novo. Affected: yes. Observed: 2 variant alleles.
Comment: The NM_000284.3:c.647T>C (p.Leu216Ser) substitution is a missense variant in PDHA1 gene. In total, 2 individuals were diagnosed with PDHA1-related Pyruvate dehydrogenase complex (PDHc) deficiency (MIM #312170). Among them, 2 cases had confirmed de novo occurrence. The variant has been reported in 2 published cases (PMIDs: 26008863, 8353499). Last literature search: July 12, 2024. This variant is absent or extremely rare in population-based cohorts in the Genome Aggregation Database (gnomAD). Individuals harboring this variant presented with clinical features compatible with PDHA1-related PDHc deficiency. In summary, this variant meets criteria to be classified as pathogenic (P) for PDHA1-related PDHc deficiency based on the ACMG/AMP criteria applied: PS3, PM1, PM2, PM7, PP3 (last assessment October 15, 2024).

Literature cited by the submitters: PubMed 26008863; PubMed 8353499; DOI 10.1093/brain/awaf430.